The following is an entry in ClinVar:

NM_001128840.3(CACNA1D):c.2593G>A (p.Ala865Thr)

Gene: CACNA1D (calcium voltage-gated channel subunit alpha1 D; plus strand). Cytogenetic location: 3p21.1.
Variant type: single nucleotide variant.
Coding change: c.2593G>A on transcript NM_001128840.3 (MANE Select); coding-DNA position 2593, G replaced by A.
Protein change: p.Ala865Thr; replaces alanine 865 with threonine.
Molecular consequence: missense variant.
Genome position (GRCh38, 1-based): chr3:53,732,934, G>A. VCF-style: chr3-53732934-G-A. GRCh37 (hg19) VCF-style: chr3-53766961-G-A.
Other names: c.2653G>A, p.Ala885Thr (NM_000720.4); c.2593G>A, p.Ala865Thr (NM_001128839.3); short protein forms A865T, A885T.
Identifiers: ClinVar variation 4771748 (VCV004771748.1).

ClinVar aggregate classification (germline): Uncertain significance (1 of 4 stars; one submission).

gnomAD v4.1: 1 of 1,613,918 alleles (0.000062%); highest among the groups gnomAD compares: South Asian, 0.0011%; no homozygotes.

Submission:

Labcorp Genetics (formerly Invitae), Labcorp
Classification: Uncertain significance. Last evaluated: 2026-01-15. Review status: criteria provided, single submitter. Criteria: Invitae Variant Classification Sherloc (09022015). Collection method: clinical testing. Allele origin: germline.
Comment: This sequence change replaces alanine, which is neutral and non-polar, with threonine, which is neutral and polar, at codon 885 of the CACNA1D protein (p.Ala885Thr). This variant is not present in population databases (gnomAD no frequency). This variant has not been reported in the literature in individuals affected with CACNA1D-related conditions. Invitae Evidence Modeling of protein sequence and biophysical properties (such as structural, functional, and spatial information, amino acid conservation, physicochemical variation, residue mobility, and thermodynamic stability) indicates that this missense variant is not expected to disrupt CACNA1D protein function with a negative predictive value of 80%. In summary, the available evidence is currently insufficient to determine the role of this variant in disease. Therefore, it has been classified as a Variant of Uncertain Significance.